The following is an entry in ClinVar:

ClinVar aggregate classification (germline): Pathogenic (1 of 4 stars; one submission).

Conditions:
X-linked Alport syndrome (ATS1). Also called: NEPHROPATHY AND DEAFNESS, X-LINKED; COL4A5-Related Nephropathy. Identifiers: Orphanet 63, Orphanet 88917, MedGen C4746986, MONDO:0010520, OMIM 301050.

Submission:

MVZ Medizinische Genetik Mainz
Classification: Pathogenic for X-linked Alport syndrome. Last evaluated: 2025-01-10. Review status: criteria provided, single submitter. Criteria: UK Practice Guidelines For Variant Classification V4 01 2020. Collection method: clinical testing. Allele origin: germline. Inheritance: X-linked dominant inheritance. Affected: yes. Observed: 1 variant allele.
Comment: ACMG Criteria: PVS1,PM2_SUP,PP4

NM_033380.3(COL4A5):c.1412_1413del (p.Gln471fs)

Gene: COL4A5 (collagen type IV alpha 5 chain; plus strand). Cytogenetic location: Xq22.3.
Variant type: Deletion.
Coding change: c.1412_1413del on transcript NM_033380.3 (MANE Select); coding-DNA positions 1412 to 1413, 2 bases deleted (AA; older notation c.1412_1413delAA).
Protein change: p.Gln471fs; shifts the reading frame from glutamine 471.
Molecular consequence: frameshift variant.
Genome position (GRCh38, 1-based): chrX:108,591,633-108,591,634, AA deleted. VCF-style (leftmost placement, unchanged base first): chrX-108591632-CAA-C. GRCh37 (hg19) VCF-style: chrX-107834862-CAA-C.
Other names: c.1412_1413del, p.Gln471fs (NM_000495.5); short protein forms Q471fs.
Identifiers: ClinVar variation 3601974 (VCV003601974.1).